The following is an entry in ClinVar:

NM_015466.4(PTPN23):c.3269C>A (p.Pro1090Gln)

Gene: PTPN23 (protein tyrosine phosphatase non-receptor type 23; plus strand). Cytogenetic location: 3p21.31.
Variant type: single nucleotide variant.
Coding change: c.3269C>A on transcript NM_015466.4 (MANE Select); coding-DNA position 3269, C replaced by A.
Protein change: p.Pro1090Gln; replaces proline 1090 with glutamine.
Molecular consequence: missense variant.
Genome position (GRCh38, 1-based): chr3:47,411,067, C>A. VCF-style: chr3-47411067-C-A. GRCh37 (hg19) VCF-style: chr3-47452557-C-A.
Other names: c.2891C>A, p.Pro964Gln (NM_001304482.2); short protein forms P1090Q, P964Q.
Identifiers: ClinVar variation 1443063 (VCV001443063.8), dbSNP rs1705273223, ClinGen allele CA352561473.

ClinVar aggregate classification (germline): Uncertain significance (1 of 4 stars; one submission).

Submission:

Labcorp Genetics (formerly Invitae), Labcorp
Classification: Uncertain significance. Last evaluated: 2021-06-14. Review status: criteria provided, single submitter. Criteria: Invitae Variant Classification Sherloc (09022015). Collection method: clinical testing. Allele origin: germline.
Comment: This variant is not present in population databases (ExAC no frequency). This sequence change replaces proline with glutamine at codon 1090 of the PTPN23 protein (p.Pro1090Gln). The proline residue is weakly conserved and there is a moderate physicochemical difference between proline and glutamine. This variant has not been reported in the literature in individuals with PTPN23-related conditions. In summary, the available evidence is currently insufficient to determine the role of this variant in disease. Therefore, it has been classified as a Variant of Uncertain Significance. Algorithms developed to predict the effect of missense changes on protein structure and function are either unavailable or do not agree on the potential impact of this missense change (SIFT: "Tolerated"; PolyPhen-2: "Probably Damaging"; Align-GVGD: "Class C0").